The following is an entry in ClinVar:

ClinVar aggregate classification (germline): Uncertain significance (1 of 4 stars; one submission).

Allele frequency attached by ClinVar (database versions not stated): gnomAD exomes below 0.00001.

Submission:

Ambry Genetics
Classification: Uncertain significance. Last evaluated: 2024-02-26. Review status: criteria provided, single submitter. Criteria: Ambry Variant Classification Scheme 2023. Collection method: clinical testing. Allele origin: germline.
Comment: The p.M381V variant (also known as c.1141A>G), located in coding exon 3 of the ALPK2 gene, results from an A to G substitution at nucleotide position 1141. The methionine at codon 381 is replaced by valine, an amino acid with highly similar properties. This amino acid position is conserved. In addition, this alteration is predicted to be tolerated by in silico analysis. Based on the available evidence, the clinical significance of this alteration remains unclear.

NM_052947.4(ALPK2):c.1141A>G (p.Met381Val)

Genes: ALPK2 (alpha kinase 2; minus strand), LOC114803473 (ALPK2 eExon liver enhancer; plus strand). Cytogenetic location: 18q21.31.
Variant type: single nucleotide variant.
Coding change: c.1141A>G on transcript NM_052947.4 (MANE Select); coding-DNA position 1141, A replaced by G.
Protein change: p.Met381Val; replaces methionine 381 with valine.
Molecular consequence: missense variant.
Genome position (GRCh38, 1-based): chr18:58,579,635, T>C on the plus strand (A>G on the coding strand, the complement: ALPK2 is on the minus strand). VCF-style: chr18-58579635-T-C. GRCh37 (hg19) VCF-style: chr18-56246867-T-C.
Other names: short protein forms M381V.
Identifiers: ClinVar variation 3228555 (VCV003228555.1), dbSNP rs2518899403, ClinGen allele CA402564537.